The following is an entry in ClinVar:

ClinVar aggregate classification (germline): Likely pathogenic (1 of 4 stars; one submission).

Allele frequency attached by ClinVar (database versions not stated): gnomAD exomes below 0.00001.
gnomAD v4.1: 1 of 1,614,086 alleles (0.000062%); no homozygotes.

Submission:

Labcorp Genetics (formerly Invitae), Labcorp
Classification: Likely pathogenic. Last evaluated: 2023-03-20. Review status: criteria provided, single submitter. Criteria: Invitae Variant Classification Sherloc (09022015). Collection method: clinical testing. Allele origin: germline.
Comment: This sequence change replaces proline, which is neutral and non-polar, with serine, which is neutral and polar, at codon 174 of the ALPL protein (p.Pro174Ser). This variant is not present in population databases (gnomAD no frequency). This missense change has been observed in individual(s) with clinical features of hypophosphatasia (Invitae). Advanced modeling of protein sequence and biophysical properties (such as structural, functional, and spatial information, amino acid conservation, physicochemical variation, residue mobility, and thermodynamic stability) performed at Invitae indicates that this missense variant is expected to disrupt ALPL protein function. In summary, the currently available evidence indicates that the variant is pathogenic, but additional data are needed to prove that conclusively. Therefore, this variant has been classified as Likely Pathogenic.

NM_000478.6(ALPL):c.520C>T (p.Pro174Ser)

Gene: ALPL (alkaline phosphatase, biomineralization associated; plus strand). Cytogenetic location: 1p36.12.
Variant type: single nucleotide variant.
Coding change: c.520C>T on transcript NM_000478.6 (MANE Select); coding-DNA position 520, C replaced by T.
Protein change: p.Pro174Ser; replaces proline 174 with serine.
Molecular consequence: missense variant.
Genome position (GRCh38, 1-based): chr1:21,564,088, C>T. VCF-style: chr1-21564088-C-T. GRCh37 (hg19) VCF-style: chr1-21890581-C-T.
Other names: c.355C>T, p.Pro119Ser (NM_001127501.4); c.289C>T, p.Pro97Ser (NM_001177520.3); c.520C>T, p.Pro174Ser (NM_001369803.2, NM_001369804.2, NM_001369805.2); short protein forms P174S, P97S, P119S.
Identifiers: ClinVar variation 2811192 (VCV002811192.3), dbSNP rs2545303628, ClinGen allele CA338877859.
Genomic context (GRCh38, chr1:21,564,088, plus strand): 5'-TCCTGCACCCCAGGGAAATCTGTGGGCATTGTGACCACCACGAGAGTGAACCATGCCACC[C>T]CCAGCGCCGCCTACGCCCACTCGGCTGACCGGGACTGGTACTCAGACAACGAGATGCCCC-3'
Protein context (NP_000469.3, residues 164-184): VTTTRVNHAT[Pro174Ser]SAAYAHSADR